The following is an entry in ClinVar:

ClinVar aggregate classification (germline): Likely benign (1 of 4 stars; one submission).

gnomAD v4.1: 9 of 1,535,328 alleles (0.00059%); highest among the groups gnomAD compares: African/African-American, 0.0082%; no homozygotes.

Submission:

CeGaT Center for Human Genetics Tuebingen
Classification: Likely benign. Last evaluated: 2025-12-01. Review status: criteria provided, single submitter. Criteria: CeGaT Center For Human Genetics Tuebingen Variant Classification Criteria Version 2. Collection method: clinical testing. Allele origin: germline. Affected: yes. Observed: 1 variant allele.
Comment: CCDC32: BP4, BP7

NM_001289132.2(CCDC32):c.402-6939A>C

Gene: CCDC32 (coiled-coil domain containing 32; minus strand). Cytogenetic location: 15q15.1.
Variant type: single nucleotide variant.
Coding change: c.402-6939A>C on transcript NM_001289132.2; 6939 bases into the intron before coding-DNA position 402, A replaced by C.
Molecular consequence: intron variant. On other transcripts: synonymous variant (2).
Genome position (GRCh38, 1-based): chr15:40,539,241, T>G on the plus strand (A>C on the coding strand, the complement: CCDC32 is on the minus strand). VCF-style: chr15-40539241-T-G. GRCh37 (hg19) VCF-style: chr15-40831440-T-G.
Other names: c.516A>C, p.Ser172= (NM_001382437.1, NM_001382438.1); c.401+17975A>C (NM_001382439.1); c.402-6939A>C (NM_001382440.1, NM_001382441.1).
Identifiers: ClinVar variation 4681466 (VCV004681466.5).